The following is an entry in ClinVar:

ClinVar aggregate classification (germline): Likely benign. Review status: criteria provided, multiple submitters, no conflicts (2 of 4 stars). 3 submissions from 3 submitters: Likely benign (3). Last evaluated 2025-03-24.

Allele frequency attached by ClinVar (database versions not stated): ExAC 0.00003; TOPMed 0.00011; gnomAD 0.00012 and 0.00013; ESP Exome Variant Server 0.00025.
gnomAD v4.1: 296 of 1,610,190 alleles (0.018%); highest among the groups gnomAD compares: Non-Finnish European, 0.024%; no homozygotes.

Submissions (3):

Labcorp Genetics (formerly Invitae), Labcorp
Classification: Likely benign. Last evaluated: 2025-03-24. Review status: criteria provided, single submitter. Criteria: Invitae Variant Classification Sherloc (09022015). Collection method: clinical testing. Allele origin: germline.

GeneDx
Classification: Likely benign. Last evaluated: 2018-05-08. Review status: criteria provided, single submitter. Criteria: GeneDx Variant Classification (06012015). Collection method: clinical testing. Allele origin: germline. Affected: yes.
Comment: This variant is considered likely benign or benign based on one or more of the following criteria: it is a conservative change, it occurs at a poorly conserved position in the protein, it is predicted to be benign by multiple in silico algorithms, and/or has population frequency not consistent with disease.

ARUP Laboratories, Molecular Genetics and Genomics, ARUP Laboratories
Classification: Likely benign. Last evaluated: 2017-12-17. Review status: criteria provided, single submitter. Criteria: ARUP Molecular Germline Variant Investigation Process. Collection method: clinical testing. Allele origin: germline.
Comment: The c.60G>A variant has not been reported in the medical literature, gene specific variation databases, nor has it been previously identified by our laboratory. It is present in the genome Aggregation Database with an overall population frequency of 0.006% (15 out of 264,584 chromosomes). The guanine in exon 20 is not highly conserved, and the variant is not predicted to alter EIF2AK4 mRNA splicing (Alamut software v.2.10.0). Therefore, the c.60G>A variant is likely to be benign.

NM_001013703.4(EIF2AK4):c.60G>A (p.Pro20=)

Genes: EIF2AK4 (eukaryotic translation initiation factor 2 alpha kinase 4; plus strand), LOC130056813 (ATAC-STARR-seq lymphoblastoid silent region 6314; plus strand). Cytogenetic location: 15q15.1.
Variant type: single nucleotide variant.
Coding change: c.60G>A on transcript NM_001013703.4 (MANE Select); coding-DNA position 60, G replaced by A.
Protein change: p.Pro20=; no amino-acid change (proline 20 retained).
Molecular consequence: synonymous variant.
Genome position (GRCh38, 1-based): chr15:39,934,255, G>A. VCF-style: chr15-39934255-G-A. GRCh37 (hg19) VCF-style: chr15-40226456-G-A.
Identifiers: ClinVar variation 618617 (VCV000618617.11), dbSNP rs372761392, ClinGen allele CA7473371.